The following is an entry in ClinVar:

ClinVar aggregate classification (germline): Likely benign. Review status: criteria provided, multiple submitters, no conflicts (2 of 4 stars). 3 submissions from 3 submitters: Likely benign (3). Last evaluated 2025-10-14.

Conditions:
Tuberous sclerosis syndrome (TSC). Also called: Tuberous Sclerosis Complex; Tuberous sclerosis. Identifiers: Orphanet 805, MedGen C0041341, MONDO:0001734.
Hereditary cancer-predisposing syndrome. Also called: Hereditary neoplastic syndrome; Neoplastic Syndromes, Hereditary; Tumor predisposition; Hereditary Cancer Syndrome. Identifiers: Orphanet 140162, MedGen C0027672, MeSH D009386, MONDO:0015356.
Tuberous sclerosis 2 (TSC2). Identifiers: Orphanet 805, MedGen C1860707, MONDO:0013199, OMIM 613254.

Allele frequency attached by ClinVar (database versions not stated): gnomAD 0.00001; gnomAD exomes 0.00001.
gnomAD v4.1: 3 of 1,614,014 alleles (0.00019%); highest among the groups gnomAD compares: East Asian, 0.0067%; no homozygotes.

Submissions (3):

Labcorp Genetics (formerly Invitae), Labcorp
Classification: Likely benign for Tuberous sclerosis 2. Last evaluated: 2025-10-14. Review status: criteria provided, single submitter. Criteria: Invitae Variant Classification Sherloc (09022015). Collection method: clinical testing. Allele origin: germline.

All of Us Research Program, National Institutes of Health
Classification: Likely benign for Tuberous sclerosis syndrome. Last evaluated: 2023-11-30. Review status: criteria provided, single submitter. Criteria: ACMG Guidelines, 2015. Collection method: clinical testing. Allele origin: germline. Inheritance: Autosomal dominant inheritance. Observed: 2 variant alleles, 2 heterozygotes.
Comment: This study involves interpretation of variants in research participants for the purpose of population health screening. Participant phenotype was not available at the time of variant classification. Additional details can be found in publication PMID: 35346344, PMCID: PMC8962531

Ambry Genetics
Classification: Likely benign for Hereditary cancer-predisposing syndrome. Last evaluated: 2022-10-05. Review status: criteria provided, single submitter. Criteria: Ambry Variant Classification Scheme 2023. Collection method: clinical testing. Allele origin: germline.

NM_000548.5(TSC2):c.1035C>A (p.Leu345=)

Gene: TSC2 (TSC complex subunit 2; plus strand). Cytogenetic location: 16p13.3.
Variant type: single nucleotide variant.
Coding change: c.1035C>A on transcript NM_000548.5 (MANE Select); coding-DNA position 1035, C replaced by A.
Protein change: p.Leu345=; no amino-acid change (leucine 345 retained).
Molecular consequence: synonymous variant.
Genome position (GRCh38, 1-based): chr16:2,060,729, C>A. VCF-style: chr16-2060729-C-A. GRCh37 (hg19) VCF-style: chr16-2110730-C-A.
Other names: c.1035C>A, p.Leu345= (NM_001077183.3, NM_001114382.3, NM_001363528.2 and 3 more transcripts); c.924C>A, p.Leu308= (NM_001318827.2); c.888C>A, p.Leu296= (NM_001318829.2); c.435C>A, p.Leu145= (NM_001318831.2); c.1068C>A, p.Leu356= (NM_001318832.2).
Identifiers: ClinVar variation 467837 (VCV000467837.14), dbSNP rs1476429068, ClinGen allele CA492960816.